The following is an entry in ClinVar:

ClinVar aggregate classification (germline): Pathogenic. Review status: criteria provided, multiple submitters, no conflicts (2 of 4 stars). 2 submissions from 2 submitters: Pathogenic (2). Last evaluated 2019-02-04.

Conditions:
Hereditary pulmonary alveolar proteinosis. Also called: Pulmonary surfactant metabolism dysfunction. Identifiers: Orphanet 264675, MedGen C3711368, MONDO:0012580.
Interstitial lung disease due to ABCA3 deficiency. Also called: PULMONARY ALVEOLAR PROTEINOSIS, CONGENITAL, 3. Identifiers: Orphanet 440402, MedGen C1970456, MONDO:0012582, OMIM 610921.

Submissions (2):

Johns Hopkins Genomics, Johns Hopkins University
Classification: Pathogenic for Interstitial lung disease due to ABCA3 deficiency. Last evaluated: 2019-02-04. Review status: criteria provided, single submitter. Criteria: ACMG Guidelines, 2015. Collection method: clinical testing. Allele origin: germline.
Comment: This ABCA3 variant (rs775903641) is rare in large population datasets (gnomAD: 1/250896 total alleles; 0.0004%; no homozygotes) and has not been reported in ClinVar nor the literature, to our knowledge. This frameshift variant results in a premature stop codon in exon 11 likely leading to nonsense-mediated decay and lack of protein production. This variant is considered pathogenic.

Ambry Genetics
Classification: Pathogenic for Hereditary pulmonary alveolar proteinosis. Last evaluated: 2017-06-22. Review status: criteria provided, single submitter. Criteria: Ambry Variant Classification Scheme 2023. Collection method: clinical testing. Allele origin: germline.
Comment: The c.817_821delTACAC pathogenic mutation, located in coding exon 5 of the ABCA3 gene, results from a deletion of 5 nucleotides at nucleotide positions 817 to 821, causing a translational frameshift with a predicted alternate stop codon (p.Y273Rfs*138). This alteration is expected to result in loss of function by premature protein truncation or nonsense-mediated mRNA decay. As such, this alteration is interpreted as a disease-causing mutation.

NM_001089.3(ABCA3):c.817_821del (p.Tyr273fs)

Gene: ABCA3 (ATP binding cassette subfamily A member 3; minus strand). Cytogenetic location: 16p13.3.
Variant type: Deletion.
Coding change: c.817_821del on transcript NM_001089.3 (MANE Select); coding-DNA positions 817 to 821, 5 bases deleted (TACAC; older notation c.817_821delTACAC).
Protein change: p.Tyr273fs; shifts the reading frame from tyrosine 273.
Molecular consequence: frameshift variant.
Genome position (GRCh38, 1-based): chr16:2,319,633-2,319,637, GTGTA deleted on the plus strand (TACAC on the coding strand, the reverse complement: ABCA3 is on the minus strand); deleting any 5 consecutive bases within chr16:2,319,633-2,319,638 gives the same sequence; the c. name uses the placement nearest the transcript's 3' end. VCF-style (leftmost placement, unchanged base first): chr16-2319632-GGTGTA-G. GRCh37 (hg19) VCF-style: chr16-2369633-GGTGTA-G.
Other names: c.817_821delTACAC (NM_001089.2, NM_001089.3); short protein forms Y273fs.
Identifiers: ClinVar variation 619285 (VCV000619285.4), dbSNP rs775903641, ClinGen allele CA7841510.
Genomic context (GRCh38, chr16:2,319,632, plus strand): 5'-GGCAGTCACCTTCAGCCTCCTTTCCTTCTCCTGCACGACAGCACGGGCAATGGTGAGCGC[GGTGTA>G]GGTGAAGCTGAGCAGCAGCAGCAGGGGCAGCTGGTACTGGATGGCCACGAGGAAGGGGTC-3'